The following is an entry in ClinVar:

NM_001001331.4(ATP2B2):c.173G>A (p.Arg58Gln)

Gene: ATP2B2 (ATPase plasma membrane Ca2+ transporting 2; minus strand). Cytogenetic location: 3p25.3.
Variant type: single nucleotide variant.
Coding change: c.173G>A on transcript NM_001001331.4 (MANE Select); coding-DNA position 173, G replaced by A.
Protein change: p.Arg58Gln; replaces arginine 58 with glutamine.
Molecular consequence: missense variant.
Genome position (GRCh38, 1-based): chr3:10,449,371, C>T on the plus strand (G>A on the coding strand, the complement: ATP2B2 is on the minus strand). VCF-style: chr3-10449371-C-T. GRCh37 (hg19) VCF-style: chr3-10491055-C-T.
Other names: c.173G>A, p.Arg58Gln (NM_001330611.3, NM_001353564.1, NM_001363862.1 and 3 more transcripts); short protein forms R58Q.
Identifiers: ClinVar variation 4990019 (VCV004990019.1).

ClinVar aggregate classification (germline): Uncertain significance (1 of 4 stars; one submission).

Conditions:
ATP2B2-related disorder. Also called: ATP2B2-related condition.

gnomAD v4.1: 11 of 1,614,110 alleles (0.00068%); highest among the groups gnomAD compares: African/African-American, 0.004%; no homozygotes.

Submission:

PreventionGenetics, part of Exact Sciences
Classification: Uncertain significance for ATP2B2-related condition. Last evaluated: 2026-08-03. Review status: criteria provided, single submitter. Criteria: ACMG Guidelines, 2015. Collection method: clinical testing. Allele origin: germline.
Comment: The ATP2B2 c.173G>A variant is predicted to result in the amino acid substitution p.Arg58Gln. To our knowledge, this variant has not been reported in the literature or in a large population database (gnomAD), indicating this variant is rare. At this time, the clinical significance of this variant is uncertain due to the absence of conclusive functional and genetic evidence.